The following is an entry in ClinVar:

NM_022098.4(XPNPEP3):c.119G>A (p.Arg40Lys)

Gene: XPNPEP3 (X-prolyl aminopeptidase 3; plus strand). Cytogenetic location: 22q13.2.
Variant type: single nucleotide variant.
Coding change: c.119G>A on transcript NM_022098.4 (MANE Select); coding-DNA position 119, G replaced by A.
Protein change: p.Arg40Lys; replaces arginine 40 with lysine.
Molecular consequence: missense variant.
Genome position (GRCh38, 1-based): chr22:40,869,053, G>A. VCF-style: chr22-40869053-G-A. GRCh37 (hg19) VCF-style: chr22-41265057-G-A.
Other names: short protein forms R40K.
Identifiers: ClinVar variation 641596 (VCV000641596.8), dbSNP rs761750025, ClinGen allele CA10251568.

ClinVar aggregate classification (germline): Uncertain significance. Review status: criteria provided, multiple submitters, no conflicts (2 of 4 stars). 2 submissions from 2 submitters: Uncertain significance (2). Last evaluated 2022-05-15.

Conditions:
Nephronophthisis-like nephropathy 1 (NPHPL1). Identifiers: Orphanet 655, MedGen C3150419, MONDO:0013163, OMIM 613159.

Allele frequency attached by ClinVar (database versions not stated): gnomAD exomes 0.00003 and 0.00004; TOPMed 0.00003; ExAC 0.00005; gnomAD 0.00005.
gnomAD v4.1: 60 of 1,614,008 alleles (0.0037%); highest among the groups gnomAD compares: Non-Finnish European, 0.0049%; no homozygotes.

Submissions (2):

Fulgent Genetics
Classification: Uncertain significance for Nephronophthisis-like nephropathy 1. Last evaluated: 2022-05-15. Review status: criteria provided, single submitter. Criteria: ACMG Guidelines, 2015. Collection method: clinical testing. Allele origin: unknown.

Labcorp Genetics (formerly Invitae), Labcorp
Classification: Uncertain significance for Nephronophthisis-like nephropathy 1. Last evaluated: 2022-02-10. Review status: criteria provided, single submitter. Criteria: Invitae Variant Classification Sherloc (09022015). Collection method: clinical testing. Allele origin: germline.
Comment: This sequence change replaces arginine, which is basic and polar, with lysine, which is basic and polar, at codon 40 of the XPNPEP3 protein (p.Arg40Lys). This variant is present in population databases (rs761750025, gnomAD 0.006%). This variant has not been reported in the literature in individuals affected with XPNPEP3-related conditions. ClinVar contains an entry for this variant (Variation ID: 641596). Algorithms developed to predict the effect of missense changes on protein structure and function (SIFT, PolyPhen-2, Align-GVGD) all suggest that this variant is likely to be tolerated. In summary, the available evidence is currently insufficient to determine the role of this variant in disease. Therefore, it has been classified as a Variant of Uncertain Significance.